The following is an entry in ClinVar:

NM_201384.3(PLEC):c.9692G>C (p.Arg3231Pro)

Gene: PLEC (plectin; minus strand). Cytogenetic location: 8q24.3.
Variant type: single nucleotide variant.
Coding change: c.9692G>C on transcript NM_201384.3 (MANE Select); coding-DNA position 9692, G replaced by C.
Protein change: p.Arg3231Pro; replaces arginine 3231 with proline.
Molecular consequence: missense variant.
Genome position (GRCh38, 1-based): chr8:143,920,129, C>G on the plus strand (G>C on the coding strand, the complement: PLEC is on the minus strand). VCF-style: chr8-143920129-C-G. GRCh37 (hg19) VCF-style: chr8-144994297-C-G.
Other names: c.9773G>C, p.Arg3258Pro (NM_000445.5); c.9650G>C, p.Arg3217Pro (NM_201378.4); c.9626G>C, p.Arg3209Pro (NM_201379.3); c.10103G>C, p.Arg3368Pro (NM_201380.4); c.9596G>C, p.Arg3199Pro (NM_201381.3); c.9692G>C, p.Arg3231Pro (NM_201382.4); c.9704G>C, p.Arg3235Pro (NM_201383.3); c.9773G>C (NM_000445.3); short protein forms R3217P, R3231P, R3199P, R3209P, R3235P, R3258P, R3368P.
Identifiers: ClinVar variation 283655 (VCV000283655.9), dbSNP rs377610697, ClinGen allele CA4924886.

ClinVar aggregate classification (germline): Uncertain significance. Review status: criteria provided, multiple submitters, no conflicts (2 of 4 stars). 3 submissions from 3 submitters: Uncertain significance (3). Last evaluated 2025-12-31.

Conditions:
Epidermolysis bullosa simplex with nail dystrophy (EBS5D). Identifiers: MedGen C4225309, MONDO:0014661, OMIM 616487.
Epidermolysis bullosa simplex 5C, with pyloric atresia (EBS5C). Also called: PLEC-Related Epidermolysis Bullosa with Pyloric Atresia; Epidermolysis bullosa simplex with pyloric atresia; PLEC1-Related Epidermolysis Bullosa with Pyloric Atresia. Identifiers: Orphanet 158684, MedGen C2677349, MONDO:0012807, OMIM 612138.
Autosomal recessive limb-girdle muscular dystrophy type 2Q (LGMDR17). Also called: MUSCULAR DYSTROPHY, LIMB-GIRDLE, AUTOSOMAL RECESSIVE 17. Identifiers: Orphanet 254361, MedGen C3150989, MONDO:0013390, OMIM 613723.
Epidermolysis bullosa simplex 5B, with muscular dystrophy (EBS5B). Also called: EPIDERMOLYSIS BULLOSA SIMPLEX AND LIMB-GIRDLE MUSCULAR DYSTROPHY; Epidermolysis bullosa simplex with muscular dystrophy. Identifiers: Orphanet 257, MedGen C2931072, MONDO:0009181, OMIM 226670.
Epidermolysis bullosa simplex, Ogna type (EBS5A). Also called: Pidermolysis bullosa simplex 5A, Ogna type; EPIDERMOLYSIS BULLOSA SIMPLEX 5A, OGNA TYPE. Identifiers: Orphanet 79401, MedGen C0432317, MONDO:0007555, OMIM 131950.
Inborn genetic diseases. Identifiers: MedGen C0950123, MeSH D030342.

Allele frequency attached by ClinVar (database versions not stated): TOPMed 0.00001.
gnomAD v4.1: 5 of 1,612,786 alleles (0.00031%); highest among the groups gnomAD compares: Non-Finnish European, 0.00042%; no homozygotes.

Submissions (3):

Labcorp Genetics (formerly Invitae), Labcorp
Classification: Uncertain significance for Autosomal recessive limb-girdle muscular dystrophy type 2Q; Epidermolysis bullosa simplex, Ogna type; Epidermolysis bullosa simplex with nail dystrophy; Epidermolysis bullosa simplex 5C, with pyloric atresia; Epidermolysis bullosa simplex 5B, with muscular dystrophy. Last evaluated: 2025-12-31. Review status: criteria provided, single submitter. Criteria: Invitae Variant Classification Sherloc (09022015). Collection method: clinical testing. Allele origin: germline.
Comment: This sequence change replaces arginine, which is basic and polar, with proline, which is neutral and non-polar, at codon 3258 of the PLEC protein (p.Arg3258Pro). This variant is present in population databases (rs377610697, gnomAD 0.002%). This variant has not been reported in the literature in individuals affected with PLEC-related conditions. ClinVar contains an entry for this variant (Variation ID: 283655). An algorithm developed to predict the effect of missense changes on protein structure and function (PolyPhen-2) suggests that this variant is likely to be disruptive. In summary, the available evidence is currently insufficient to determine the role of this variant in disease. Therefore, it has been classified as a Variant of Uncertain Significance.

Ambry Genetics
Classification: Uncertain significance for Inborn genetic diseases. Last evaluated: 2024-06-26. Review status: criteria provided, single submitter. Criteria: Ambry Variant Classification Scheme 2023. Collection method: clinical testing. Allele origin: germline.

Eurofins Ntd Llc (ga)
Classification: Uncertain significance. Last evaluated: 2015-09-25. Review status: criteria provided, single submitter. Criteria: EGL Classification Definitions 2015. Collection method: clinical testing. Allele origin: germline. Observed: 1 variant allele, 1 heterozygote.